The following is an entry in ClinVar:

ClinVar aggregate classification (germline): Conflicting classifications of pathogenicity. Review status: criteria provided, conflicting classifications (1 of 4 stars). 3 submissions from 3 submitters: Uncertain significance (1); Likely benign (2). Last evaluated 2025-09-23.

Conditions:
Neuropathy, hereditary sensory and autonomic, type 2A (HSAN2A). Also called: MORVAN DISEASE; WNK1-Related HSAN2 (HSAN2A); ACROOSTEOLYSIS, GIACCAI TYPE; ACROOSTEOLYSIS, NEUROGENIC; HSAN IIA; NEUROPATHY, CONGENITAL SENSORY. Identifiers: Orphanet 970, MedGen C2752089, MONDO:0024309, OMIM 201300.
Pseudohypoaldosteronism type 2C (PHA2C). Also called: Pseudohypoaldosteronism Type IIC. Identifiers: Orphanet 757, Orphanet 88940, MedGen C1840391, MONDO:0013778, OMIM 614492.
WNK1-related disorder. Also called: WNK1-related condition.
Inborn genetic diseases. Identifiers: MedGen C0950123, MeSH D030342.

Allele frequency attached by ClinVar (database versions not stated): gnomAD 0.00001; gnomAD exomes 0.00003 and 0.00019; TOPMed 0.00010; ExAC 0.00027.
gnomAD v4.1: 38 of 1,601,774 alleles (0.0024%); highest among the groups gnomAD compares: East Asian, 0.075%; no homozygotes.

Submissions (3):

PreventionGenetics, part of Exact Sciences
Classification: Likely benign for WNK1-related condition. Last evaluated: 2025-09-23. Review status: criteria provided, single submitter. Criteria: ACMG Guidelines, 2015. Collection method: clinical testing. Allele origin: germline.
Comment: This variant is classified as likely benign based on ACMG/AMP sequence variant interpretation guidelines (Richards et al. 2015 PMID: 25741868, with internal and published modifications).

Labcorp Genetics (formerly Invitae), Labcorp
Classification: Likely benign for Neuropathy, hereditary sensory and autonomic, type 2A; Pseudohypoaldosteronism type 2C. Last evaluated: 2024-08-08. Review status: criteria provided, single submitter. Criteria: Invitae Variant Classification Sherloc (09022015). Collection method: clinical testing. Allele origin: germline.

Ambry Genetics
Classification: Uncertain significance for Inborn genetic diseases. Last evaluated: 2022-04-28. Review status: criteria provided, single submitter. Criteria: Ambry Variant Classification Scheme 2023. Collection method: clinical testing. Allele origin: germline.
Comment: The p.V133I variant (also known as c.397G>A), located in coding exon 1 of the WNK1 gene, results from a G to A substitution at nucleotide position 397. The valine at codon 133 is replaced by isoleucine, an amino acid with highly similar properties. This amino acid position is not well conserved in available vertebrate species. In addition, this alteration is predicted to be tolerated by in silico analysis. Since supporting evidence is limited at this time, the clinical significance of this alteration remains unclear.

NM_018979.4(WNK1):c.397G>A (p.Val133Ile)

Gene: WNK1 (WNK lysine deficient protein kinase 1; plus strand). Cytogenetic location: 12p13.33.
Variant type: single nucleotide variant.
Coding change: c.397G>A on transcript NM_018979.4 (MANE Select); coding-DNA position 397, G replaced by A.
Protein change: p.Val133Ile; replaces valine 133 with isoleucine.
Molecular consequence: missense variant.
Genome position (GRCh38, 1-based): chr12:753,962, G>A. VCF-style: chr12-753962-G-A. GRCh37 (hg19) VCF-style: chr12-863128-G-A.
Other names: c.397G>A, p.Val133Ile (NM_001184985.2, NM_014823.3, NM_213655.5); c.397G>A (NM_018979.3); short protein forms V133I.
Identifiers: ClinVar variation 1081822 (VCV001081822.12), dbSNP rs753342253, ClinGen allele CA6381775.